The following is an entry in ClinVar:

ClinVar aggregate classification (germline): Uncertain significance (1 of 4 stars; one submission).

Submission:

Labcorp Genetics (formerly Invitae), Labcorp
Classification: Uncertain significance. Last evaluated: 2025-01-26. Review status: criteria provided, single submitter. Criteria: Invitae Variant Classification Sherloc (09022015). Collection method: clinical testing. Allele origin: germline.
Comment: This sequence change falls in intron 3 of the REST gene. It does not directly change the encoded amino acid sequence of the REST protein. It affects a nucleotide within the consensus splice site. This variant is not present in population databases (gnomAD no frequency). This variant has not been reported in the literature in individuals affected with REST-related conditions. Variants that disrupt the consensus splice site are a relatively common cause of aberrant splicing (PMID: 17576681, 9536098). Algorithms developed to predict the effect of sequence changes on RNA splicing suggest that this variant may disrupt the consensus splice site. In summary, the available evidence is currently insufficient to determine the role of this variant in disease. Therefore, it has been classified as a Variant of Uncertain Significance.

Literature cited by the submitters: PubMed 17576681; PubMed 9536098.

NM_005612.5(REST):c.982+5G>A

Gene: REST (RE1 silencing transcription factor; plus strand). Cytogenetic location: 4q12.
Variant type: single nucleotide variant.
Coding change: c.982+5G>A on transcript NM_005612.5 (MANE Select); 5 bases into the intron after coding-DNA position 982, G replaced by A.
Molecular consequence: intron variant.
Genome position (GRCh38, 1-based): chr4:56,919,875, G>A. VCF-style: chr4-56919875-G-A. GRCh37 (hg19) VCF-style: chr4-57786041-G-A.
Other names: c.898+8339G>A (NM_001440532.1, NM_001440533.1); c.982+5G>A (NM_001363453.3, NM_001193508.2).
Identifiers: ClinVar variation 3729635 (VCV003729635.2).